The following is an entry in ClinVar:

NM_001393769.1(MED12L):c.1543G>A (p.Val515Met)

Gene: MED12L (mediator complex subunit 12L; plus strand). Cytogenetic location: 3q25.1.
Variant type: single nucleotide variant.
Coding change: c.1543G>A on transcript NM_001393769.1 (MANE Select); coding-DNA position 1543, G replaced by A.
Protein change: p.Val515Met; replaces valine 515 with methionine.
Molecular consequence: missense variant.
Genome position (GRCh38, 1-based): chr3:151,185,378, G>A. VCF-style: chr3-151185378-G-A. GRCh37 (hg19) VCF-style: chr3-150903165-G-A.
Other names: c.1543G>A, p.Val515Met (NM_053002.6); short protein forms V515M.
Identifiers: ClinVar variation 1329637 (VCV001329637.2), dbSNP rs2149073341, ClinGen allele CA354960075.

ClinVar aggregate classification (germline): Uncertain significance (1 of 4 stars; one submission).

gnomAD v4.1: 1 of 1,613,916 alleles (0.000062%); highest among the groups gnomAD compares: South Asian, 0.0011%; no homozygotes.

Submission:

GeneDx
Classification: Uncertain significance. Last evaluated: 2021-06-24. Review status: criteria provided, single submitter. Criteria: GeneDx Variant Classification Process June 2021. Collection method: clinical testing. Allele origin: germline. Affected: yes.
Comment: Not observed at significant frequency in large population cohorts (Lek et al., 2016); In silico analysis supports that this missense variant has a deleterious effect on protein structure/function; Has not been previously published as pathogenic or benign to our knowledge; This variant is associated with the following publications: (PMID: 27535533)